The following is an entry in ClinVar:

ClinVar aggregate classification (germline): Uncertain significance. Review status: criteria provided, multiple submitters, no conflicts (2 of 4 stars). 4 submissions from 4 submitters: Uncertain significance (4). Last evaluated 2024-12-09.

Conditions:
Sulfite oxidase deficiency due to molybdenum cofactor deficiency type B1 (MOCODB1). Also called: Sulfite oxidase deficiency due to molybdenum cofactor deficiency type B; Molybdenum cofactor deficiency B; MOLYBDENUM COFACTOR DEFICIENCY, TYPE B1; Molybdenum cofactor deficiency, complementation group B. Identifiers: Orphanet 308393, Orphanet 833, MedGen C6065887, MONDO:0009644, OMIM 252160.

Allele frequency attached by ClinVar (database versions not stated): gnomAD 0.00001; TOPMed 0.00001; ExAC 0.00002; gnomAD exomes 0.00002 and 0.00004.
gnomAD v4.1: 58 of 1,613,996 alleles (0.0036%); highest among the groups gnomAD compares: Non-Finnish European, 0.0042%; 1 homozygote.

Submissions (5):

Labcorp Genetics (formerly Invitae), Labcorp
Classification: Uncertain significance. Last evaluated: 2024-12-09. Review status: criteria provided, single submitter. Criteria: Invitae Variant Classification Sherloc (09022015). Collection method: clinical testing. Allele origin: germline.
Comment: The MOCS2 gene encodes two different proteins which are translated from alternative transcripts, MOCS2A and MOCS2B, that have different open reading frames. This variant occurs in MOCS2A, and also corresponds to c.57A>T (p.Leu19Phe) in MOCS2B. This sequence change replaces isoleucine, which is neutral and non-polar, with phenylalanine, which is neutral and non-polar, at codon 82 of the MOCS2A protein (p.Ile82Phe). This variant is present in population databases (rs776441627, gnomAD 0.004%). This missense change has been observed in individual(s) with MOCS2-related conditions (PMID: 34440436). ClinVar contains an entry for this variant (Variation ID: 809760). An algorithm developed to predict the effect of missense changes on protein structure and function (PolyPhen-2) suggests that this variant¬†is likely to be tolerated. In summary, the available evidence is currently insufficient to determine the role of this variant in disease. Therefore, it has been classified as a Variant of Uncertain Significance. Please note, this variant is also classified as a Variant of Uncertain Significance in MOCS2B.

Fulgent Genetics
Classification: Uncertain significance for Sulfite oxidase deficiency due to molybdenum cofactor deficiency type B1. Last evaluated: 2024-05-21. Review status: criteria provided, single submitter. Criteria: ACMG Guidelines, 2015. Collection method: clinical testing. Allele origin: germline.

Clinical Genetics Laboratory, Skane University Hospital Lund
Classification: Uncertain significance. Last evaluated: 2023-06-09. Review status: criteria provided, single submitter. Criteria: ACMG Guidelines, 2015. Collection method: clinical testing. Allele origin: germline. Affected: yes.

CeGaT Center for Human Genetics Tuebingen
Classification: Uncertain significance. Last evaluated: 2019-12-01. Review status: criteria provided, single submitter. Criteria: CeGaT Center For Human Genetics Tuebingen Variant Classification Criteria Version 2. Collection method: clinical testing. Allele origin: germline. Affected: yes. Observed: 2 variant alleles.

Dr. Peter K. Rogan Lab, Western University
No classification provided (evidence only). Condition: Thyroid cancer, nonmedullary, 1. Review status: no classification provided. Collection method: in vitro. Allele origin: not applicable. Functional consequence: retained intron. Not counted in ClinVar's aggregate classification.

Literature cited by the submitters: PubMed 34440436 (cited by Labcorp Genetics (formerly Invitae), Labcorp).

NM_004531.5(MOCS2):c.57A>T (p.Leu19Phe)

Gene: MOCS2 (molybdenum cofactor synthesis 2; minus strand). Cytogenetic location: 5q11.2.
Variant type: single nucleotide variant.
Coding change: c.57A>T on transcript NM_004531.5 (MANE Select); coding-DNA position 57, A replaced by T.
Protein change: p.Leu19Phe; replaces leucine 19 with phenylalanine.
Molecular consequence: missense variant.
Genome position (GRCh38, 1-based): chr5:53,107,118, T>A on the plus strand (A>T on the coding strand, the complement: MOCS2 is on the minus strand). VCF-style: chr5-53107118-T-A. GRCh37 (hg19) VCF-style: chr5-52402948-T-A.
Other names: c.244A>T, p.Ile82Phe (NM_176806.4); short protein forms I82F, L19F.
Identifiers: ClinVar variation 809760 (VCV000809760.49), dbSNP rs776441627, ClinGen allele CA3263757.